The following is an entry in ClinVar:

ClinVar aggregate classification (germline): Likely pathogenic (1 of 4 stars; one submission).

Conditions:
Familial cancer of breast. Also called: hereditary breast carcinoma; Hereditary breast cancer; BREAST CANCER, FAMILIAL. Identifiers: Orphanet 227535, MedGen C0346153, MONDO:0016419, OMIM 114480. Disease mechanism: loss of function.

Submission:

Juno Genomics, Hangzhou Juno Genomics, Inc
Classification: Likely pathogenic for Familial cancer of breast. Review status: criteria provided, single submitter. Criteria: ACMG Guidelines, 2015. Collection method: clinical testing. Allele origin: germline.
Comment: Absent from controls (or at extremely low frequency if recessive) in Genome Aggregation Database.;Null variant in a gene where loss of function (LOF) is a known mechanism of disease.

NM_032043.3(BRIP1):c.1918dup (p.Ile640fs)

Gene: BRIP1 (BRCA1 interacting DNA helicase 1; minus strand). Cytogenetic location: 17q23.2.
Variant type: Duplication.
Coding change: c.1918dup on transcript NM_032043.3 (MANE Select); coding-DNA position 1918, one base duplicated (A; older notation c.1918dupA).
Protein change: p.Ile640fs; shifts the reading frame from isoleucine 640.
Molecular consequence: frameshift variant.
Genome position (GRCh38, 1-based): chr17:61,780,278, T duplicated on the plus strand (A on the coding strand, the reverse complement: BRIP1 is on the minus strand). VCF-style (leftmost placement, unchanged base first): chr17-61780277-A-AT. GRCh37 (hg19) VCF-style: chr17-59857638-A-AT.
Other names: short protein forms I640fs.
Identifiers: ClinVar variation 5018726 (VCV005018726.2).